The following is an entry in ClinVar:

ClinVar aggregate classification (germline): Uncertain significance (1 of 4 stars; one submission).

Submission:

GeneDx
Classification: Uncertain significance. Last evaluated: 2024-03-04. Review status: criteria provided, single submitter. Criteria: GeneDx Variant Classification Process June 2021. Collection method: clinical testing. Allele origin: germline. Affected: yes.
Comment: Not observed at significant frequency in large population cohorts (gnomAD); In silico analysis supports that this missense variant does not alter protein structure/function; Has not been previously published as pathogenic or benign to our knowledge

NM_006852.6(TLK2):c.368G>A (p.Arg123Gln)

Gene: TLK2 (tousled like kinase 2; plus strand). Cytogenetic location: 17q23.2.
Variant type: single nucleotide variant.
Coding change: c.368G>A on transcript NM_006852.6 (MANE Select); coding-DNA position 368, G replaced by A.
Protein change: p.Arg123Gln; replaces arginine 123 with glutamine.
Molecular consequence: missense variant. On other transcripts: 5 prime UTR variant (2).
Genome position (GRCh38, 1-based): chr17:62,536,174, G>A. VCF-style: chr17-62536174-G-A. GRCh37 (hg19) VCF-style: chr17-60613535-G-A.
Other names: c.368G>A, p.Arg123Gln (NM_001284333.3, NM_001375270.1, NM_001375271.1); c.272G>A, p.Arg91Gln (NM_001284363.1, NM_001375272.1, NM_001411074.1); c.-80G>A (NM_001330418.3, NM_001375273.1); c.410G>A, p.Arg137Gln (NM_001375269.1); short protein forms R123Q, R137Q, R91Q.
Identifiers: ClinVar variation 3369744 (VCV003369744.1).